The following is an entry in ClinVar:

NM_002691.4(POLD1):c.26_47del (p.Pro9fs)

Gene: POLD1 (DNA polymerase delta 1, catalytic subunit; plus strand). Cytogenetic location: 19q13.33.
Variant type: Deletion.
Coding change: c.26_47del on transcript NM_002691.4 (MANE Select); coding-DNA positions 26 to 47, 22 bases deleted (CAGGGCCCGGGGTGCCCCCAAA).
Protein change: p.Pro9fs; shifts the reading frame from proline 9.
Molecular consequence: frameshift variant. On other transcripts: non-coding transcript variant (1).
Genome position (GRCh38, 1-based): chr19:50,398,877-50,398,898, CAGGGCCCGGGGTGCCCCCAAA deleted. VCF-style (leftmost placement, unchanged base first): chr19-50398876-CCAGGGCCCGGGGTGCCCCCAAA-C. GRCh37 (hg19) VCF-style: chr19-50902133-CCAGGGCCCGGGGTGCCCCCAAA-C.
Other names: c.26_47del, p.Pro9fs (NM_001256849.1, NM_001308632.1, NM_001438210.1 and 3 more transcripts); short protein forms P9fs.
Identifiers: ClinVar variation 4844385 (VCV004844385.1).
Genomic context (GRCh38, chr19:50,398,876, plus strand): 5'-TCAGAACCTCCACCAAGCTCCAACTTGCCCAGCAGGATGGATGGCAAGCGGCGGCCAGGC[CCAGGGCCCGGGGTGCCCCCAAA>C]GCGGGCCCGTGGGGGCCTCTGGGATGATGATGATGCACCTCGGCCATCCCAATTCGAGGA-3'

ClinVar aggregate classification (germline): Uncertain significance (1 of 4 stars; one submission).

Conditions:
Hereditary cancer-predisposing syndrome. Also called: Neoplastic Syndromes, Hereditary; Tumor predisposition; Hereditary Cancer Syndrome; Hereditary neoplastic syndrome. Identifiers: Orphanet 140162, MedGen C0027672, MeSH D009386, MONDO:0015356.

Submission:

Ambry Genetics
Classification: Uncertain significance for Hereditary cancer-predisposing syndrome. Last evaluated: 2026-01-29. Review status: criteria provided, single submitter. Criteria: Ambry Variant Classification Scheme 2023. Collection method: clinical testing. Allele origin: germline.
Comment: The c.26_47del22 variant, located in coding exon 1 of the POLD1 gene, results from a deletion of 22 nucleotides at nucleotide positions 26 to 47, causing a translational frameshift with a predicted alternate stop codon (p.P9Rfs*25). This alteration is expected to result in loss of function by premature protein truncation or nonsense-mediated mRNA decay. However, loss of function has not been established as a mechanism of disease. Based on the available evidence, the clinical significance of this variant remains unclear.